The following is an entry in ClinVar:

NM_004004.6(GJB2):c.101T>G (p.Met34Arg)

Gene: GJB2 (gap junction protein beta 2; minus strand). Cytogenetic location: 13q12.11.
Variant type: single nucleotide variant.
Coding change: c.101T>G on transcript NM_004004.6 (MANE Select); coding-DNA position 101, T replaced by G.
Protein change: p.Met34Arg; replaces methionine 34 with arginine.
Molecular consequence: missense variant.
Genome position (GRCh38, 1-based): chr13:20,189,481, A>C on the plus strand (T>G on the coding strand, the complement: GJB2 is on the minus strand). VCF-style: chr13-20189481-A-C. GRCh37 (hg19) VCF-style: chr13-20763620-A-C.
Other names: short protein forms M34R.
Identifiers: ClinVar variation 44722 (VCV000044722.15), dbSNP rs35887622, ClinGen allele CA261633.

ClinVar aggregate classification (germline): Conflicting classifications of pathogenicity. Review status: criteria provided, conflicting classifications (1 of 4 stars). 5 submissions from 5 submitters: Pathogenic (1); Likely pathogenic (2); Uncertain significance (1). 1 of the submissions does not count toward it. Last evaluated 2025-08-01.

Conditions:
GJB2-related disorder. Also called: GJB2-related condition; GJB2-related disorders. Identifiers: MedGen CN382183, MONDO:1060236.
Rare genetic deafness. Identifiers: Orphanet 96210, MedGen C5680250.

Submissions (6):

Women's Health and Genetics/Laboratory Corporation of America, LabCorp
Classification: Uncertain significance. Last evaluated: 2025-08-01. Review status: criteria provided, single submitter. Criteria: LabCorp Variant Classification Summary - May 2015. Collection method: clinical testing. Allele origin: germline.
Comment: Variant summary: GJB2 c.101T>G (p.Met34Arg) results in a non-conservative amino acid change in the encoded protein sequence. Algorithms developed to predict the effect of missense changes on protein structure and function all suggest that this variant is likely to be disruptive. Several computational tools predict a significant impact on normal splicing: Four predict the variant creates a cryptic 3' acceptor site. However, these predictions have yet to be confirmed by functional studies. The variant was absent in 250736 control chromosomes (gnomAD). The available data on variant occurrences in the general population are insufficient to allow any conclusion about variant significance. c.101T>G has been reported in the literature in an individual affected with Non-Syndromic Hearing Loss (Putcha_2007). These data do not allow any conclusion about variant significance. A different variant affecting the same codon has been classified as pathogenic by our lab (c.101T>C, p.Met34Thr), supporting the critical relevance of codon 34 to GJB2 protein function. To our knowledge, no experimental evidence demonstrating an impact on protein function has been reported. The following publication has been ascertained in the context of this evaluation (PMID: 17666888). ClinVar contains an entry for this variant (Variation ID: 44722). Based on the evidence outlined above, the variant was classified as VUS-possibly pathogenic.

Labcorp Genetics (formerly Invitae), Labcorp
Classification: Likely pathogenic. Last evaluated: 2024-04-06. Review status: criteria provided, single submitter. Criteria: Invitae Variant Classification Sherloc (09022015). Collection method: clinical testing. Allele origin: germline.
Comment: This sequence change replaces methionine, which is neutral and non-polar, with arginine, which is basic and polar, at codon 34 of the GJB2 protein (p.Met34Arg). This variant is not present in population databases (gnomAD no frequency). This variant has not been reported in the literature in individuals affected with GJB2-related conditions. ClinVar contains an entry for this variant (Variation ID: 44722). Advanced modeling of protein sequence and biophysical properties (such as structural, functional, and spatial information, amino acid conservation, physicochemical variation, residue mobility, and thermodynamic stability) performed at Invitae indicates that this missense variant is expected to disrupt GJB2 protein function with a positive predictive value of 95%. Algorithms developed to predict the effect of sequence changes on RNA splicing suggest that this variant may disrupt the consensus splice site. This variant disrupts the p.Met34 amino acid residue in GJB2. Other variant(s) that disrupt this residue have been determined to be pathogenic (PMID: 16077952, 22668073, 26117665; Invitae). This suggests that this residue is clinically significant, and that variants that disrupt this residue are likely to be disease-causing. In summary, the currently available evidence indicates that the variant is pathogenic, but additional data are needed to prove that conclusively. Therefore, this variant has been classified as Likely Pathogenic.

GeneDx
Classification: Pathogenic. Last evaluated: 2023-12-15. Review status: criteria provided, single submitter. Criteria: GeneDx Variant Classification Process June 2021. Collection method: clinical testing. Allele origin: germline. Affected: yes.
Comment: Reported in a patient with hearing loss in published literature; however, clinical and molecular data were limited (PMID: 17666888); Not observed at significant frequency in large population cohorts (gnomAD); In silico analysis supports that this missense variant has a deleterious effect on protein structure/function; In silico analysis suggests this variant may impact gene splicing. In the absence of RNA/functional studies, the actual effect of this sequence change is unknown.; This variant is associated with the following publications: (PMID: 25388846, 31589614, 36672810, 31160754, 17666888, 36048236)

Blueprint Genetics
Classification: Likely pathogenic for GJB2-related disorders. Last evaluated: 2019-06-18. Review status: criteria provided, single submitter. Criteria: ACMG Guidelines, 2015. Collection method: clinical testing. Allele origin: germline. Affected: yes. Observed: 1 variant allele.

Laboratory for Molecular Medicine, Mass General Brigham Personalized Medicine
Classification: Likely pathogenic for Rare genetic deafness. Last evaluated: 2009-02-19. Review status: no assertion criteria provided. Collection method: clinical testing. Allele origin: germline. Observed: 1 variant allele. Not counted in ClinVar's aggregate classification.

Dr. Peter K. Rogan Lab, Western University
No classification provided (evidence only). Condition: Ovarian serous cystadenocarcinoma. Review status: no classification provided. Collection method: in vitro. Allele origin: not applicable. Functional consequence: retained intron. Not counted in ClinVar's aggregate classification.

Literature cited by the submitters: PubMed 17666888 (cited by Women's Health and Genetics/Laboratory Corporation of America, LabCorp and Laboratory for Molecular Medicine, Mass General Brigham Personalized Medicine); PubMed 16077952 (cited by Labcorp Genetics (formerly Invitae), Labcorp); PubMed 22668073 (cited by Labcorp Genetics (formerly Invitae), Labcorp); PubMed 26117665 (cited by Labcorp Genetics (formerly Invitae), Labcorp).